The following is an entry in ClinVar:

NM_005431.2(XRCC2):c.25G>C (p.Glu9Gln)

Gene: XRCC2 (X-ray repair cross complementing 2; minus strand). Cytogenetic location: 7q36.1.
Variant type: single nucleotide variant.
Coding change: c.25G>C on transcript NM_005431.2 (MANE Select); coding-DNA position 25, G replaced by C.
Protein change: p.Glu9Gln; replaces glutamic acid 9 with glutamine.
Molecular consequence: missense variant.
Genome position (GRCh38, 1-based): chr7:152,676,055, C>G on the plus strand (G>C on the coding strand, the complement: XRCC2 is on the minus strand). VCF-style: chr7-152676055-C-G. GRCh37 (hg19) VCF-style: chr7-152373140-C-G.
Other names: short protein forms E9Q.
Identifiers: ClinVar variation 1793654 (VCV001793654.2), dbSNP rs1227610646, ClinGen allele CA370199600.

ClinVar aggregate classification (germline): Uncertain significance (1 of 4 stars; one submission).

Conditions:
Hereditary cancer-predisposing syndrome. Also called: Tumor predisposition; Hereditary Cancer Syndrome; Neoplastic Syndromes, Hereditary; Hereditary neoplastic syndrome. Identifiers: Orphanet 140162, MedGen C0027672, MeSH D009386, MONDO:0015356.

Allele frequency attached by ClinVar (database versions not stated): TOPMed below 0.00001; gnomAD 0.00001.
gnomAD v4.1: 5 of 1,613,766 alleles (0.00031%); highest among the groups gnomAD compares: Admixed American, 0.0083%; no homozygotes.

Submission:

Ambry Genetics
Classification: Uncertain significance for Hereditary cancer-predisposing syndrome. Last evaluated: 2023-12-29. Review status: criteria provided, single submitter. Criteria: Ambry Variant Classification Scheme 2023. Collection method: clinical testing. Allele origin: germline.
Comment: The p.E9Q variant (also known as c.25G>C), located in coding exon 1 of the XRCC2 gene, results from a G to C substitution at nucleotide position 25. The glutamic acid at codon 9 is replaced by glutamine, an amino acid with highly similar properties. This amino acid position is conserved. In addition, this alteration is predicted to be tolerated by in silico analysis. Since supporting evidence is limited at this time, the clinical significance of this alteration remains unclear.